The following is an entry in ClinVar:

ClinVar aggregate classification (germline): Pathogenic (1 of 4 stars; one submission).

Conditions:
Juvenile polyposis syndrome (JPS). Identifiers: Orphanet 2929, MedGen C0345893, MONDO:0017380, OMIM 174900.

Submission:

Labcorp Genetics (formerly Invitae), Labcorp
Classification: Pathogenic for Juvenile polyposis syndrome. Last evaluated: 2022-05-27. Review status: criteria provided, single submitter. Criteria: Invitae Variant Classification Sherloc (09022015). Collection method: clinical testing. Allele origin: germline.
Comment: This variant has not been reported in the literature in individuals affected with SMAD4-related conditions. For these reasons, this variant has been classified as Pathogenic. This sequence change creates a premature translational stop signal (p.Glu337Glyfs*47) in the SMAD4 gene. It is expected to result in an absent or disrupted protein product. Loss-of-function variants in SMAD4 are known to be pathogenic (PMID: 16152648, 16436638, 22810475). This variant is not present in population databases (gnomAD no frequency).

Literature cited by the submitters: PubMed 16152648; PubMed 16436638; PubMed 22810475.

NM_005359.6(SMAD4):c.1010del (p.Glu337fs)

Gene: SMAD4 (SMAD family member 4; plus strand). Cytogenetic location: 18q21.2.
Variant type: Deletion.
Coding change: c.1010del on transcript NM_005359.6 (MANE Select); coding-DNA position 1010, one base deleted (A; older notation c.1010delA).
Protein change: p.Glu337fs; shifts the reading frame from glutamic acid 337.
Molecular consequence: frameshift variant.
Genome position (GRCh38, 1-based): chr18:51,065,477, A deleted. VCF-style (leftmost placement, unchanged base first): chr18-51065476-GA-G. GRCh37 (hg19) VCF-style: chr18-48591846-GA-G.
Other names: c.1010delA, p.Glu337Glyfs (NM_001407041.1, NM_001407042.1, NM_001407043.1); short protein forms E337fs.
Identifiers: ClinVar variation 1999261 (VCV001999261.4), dbSNP rs2511382811, ClinGen allele CA2580095861.